The following is an entry in ClinVar:

ClinVar aggregate classification (germline): Benign/Likely benign. Review status: criteria provided, multiple submitters, no conflicts (2 of 4 stars). 5 submissions from 5 submitters: Benign (2); Likely benign (3). Last evaluated 2025-12-09.

Conditions:
MCM2-related disorder. Also called: MCM2-related condition.

Allele frequency attached by ClinVar (database versions not stated): gnomAD exomes 0.00018 and 0.00043; ExAC 0.00059; 1000 Genomes Project 30x 0.00078; 1000 Genomes Project 0.00080; ESP Exome Variant Server 0.00161; gnomAD 0.00188 and 0.00208; TOPMed 0.00233.
gnomAD v4.1: 561 of 1,614,064 alleles (0.035%); highest among the groups gnomAD compares: African/African-American, 0.68%; 3 homozygotes.

Submissions (5):

Labcorp Genetics (formerly Invitae), Labcorp
Classification: Benign. Last evaluated: 2025-12-09. Review status: criteria provided, single submitter. Criteria: Invitae Variant Classification Sherloc (09022015). Collection method: clinical testing. Allele origin: germline.

PreventionGenetics, part of Exact Sciences
Classification: Likely benign for MCM2-related condition. Last evaluated: 2024-10-02. Review status: criteria provided, single submitter. Criteria: ACMG Guidelines, 2015. Collection method: clinical testing. Allele origin: germline.
Comment: This variant is classified as likely benign based on ACMG/AMP sequence variant interpretation guidelines (Richards et al. 2015 PMID: 25741868, with internal and published modifications).

Blueprint Genetics
Classification: Likely benign. Last evaluated: 2024-07-25. Review status: criteria provided, single submitter. Criteria: ACMG Guidelines, 2015. Collection method: clinical testing. Allele origin: germline.

CeGaT Center for Human Genetics Tuebingen
Classification: Likely benign. Last evaluated: 2023-02-01. Review status: criteria provided, single submitter. Criteria: CeGaT Center For Human Genetics Tuebingen Variant Classification Criteria Version 2. Collection method: clinical testing. Allele origin: germline. Affected: yes. Observed: 1 variant allele.
Comment: MCM2: BP4

GeneDx
Classification: Benign. Last evaluated: 2018-09-05. Review status: criteria provided, single submitter. Criteria: GeneDx Variant Classification Process June 2021. Collection method: clinical testing. Allele origin: germline. Affected: yes.

NM_004526.4(MCM2):c.2689A>C (p.Arg897=)

Genes: MCM2 (minichromosome maintenance complex component 2; plus strand), LOC107986126 (uncharacterized LOC107986126; minus strand). Cytogenetic location: 3q21.3.
Variant type: single nucleotide variant.
Coding change: c.2689A>C on transcript NM_004526.4 (MANE Select); coding-DNA position 2689, A replaced by C.
Protein change: p.Arg897=; no amino-acid change (arginine 897 retained).
Molecular consequence: synonymous variant. On other transcripts: non-coding transcript variant (1).
Genome position (GRCh38, 1-based): chr3:127,621,747, A>C. VCF-style: chr3-127621747-A-C. GRCh37 (hg19) VCF-style: chr3-127340590-A-C.
Identifiers: ClinVar variation 785865 (VCV000785865.37), dbSNP rs142055220, ClinGen allele CA2596338.